The following is an entry in ClinVar:

ClinVar aggregate classification (germline): Likely benign. Review status: criteria provided, single submitter (1 of 4 stars). 2 submissions from 2 submitters: Likely benign (1). 1 of the submissions does not count toward it. Last evaluated 2025-02-15.

Conditions:
Bardet-Biedl syndrome (BBS). Identifiers: Orphanet 110, MedGen C0752166, MONDO:0015229.
BBS9-related disorder. Also called: BBS9-related condition.

Allele frequency attached by ClinVar (database versions not stated): gnomAD exomes below 0.00001; TOPMed below 0.00001.
gnomAD v4.1: 2 of 1,593,618 alleles (0.00013%); highest among the groups gnomAD compares: Middle Eastern, 0.017%; no homozygotes.

Submissions (2):

Labcorp Genetics (formerly Invitae), Labcorp
Classification: Likely benign for Bardet-Biedl syndrome. Last evaluated: 2025-02-15. Review status: criteria provided, single submitter. Criteria: Invitae Variant Classification Sherloc (09022015). Collection method: clinical testing. Allele origin: germline.

PreventionGenetics, part of Exact Sciences
Classification: Likely benign for BBS9-related condition. Last evaluated: 2024-06-28. Review status: no assertion criteria provided. Collection method: clinical testing. Allele origin: germline. Not counted in ClinVar's aggregate classification.
Comment: This variant is classified as likely benign based on ACMG/AMP sequence variant interpretation guidelines (Richards et al. 2015 PMID: 25741868, with internal and published modifications).

NM_198428.3(BBS9):c.2632+8A>C

Gene: BBS9 (Bardet-Biedl syndrome 9; plus strand). Cytogenetic location: 7p14.3.
Variant type: single nucleotide variant.
Coding change: c.2632+8A>C on transcript NM_198428.3 (MANE Select); 8 bases into the intron after coding-DNA position 2632, A replaced by C.
Molecular consequence: intron variant.
Genome position (GRCh38, 1-based): chr7:33,604,983, A>C. VCF-style: chr7-33604983-A-C. GRCh37 (hg19) VCF-style: chr7-33644595-A-C.
Other names: c.2632+8A>C (NM_198428.2, NM_001348036.1, NM_001348041.4 and 1 more transcripts); c.2522-30194A>C (NM_001362679.1); c.2359+8A>C (NM_001348038.3); c.2254+8A>C (NM_001348039.3); c.2617+8A>C (NM_001033605.2); c.2527+8A>C (NM_001033604.2); c.2512+8A>C (NM_014451.4, NM_001348040.3); c.2083+8A>C (NM_001348037.3); and 3 more.
Identifiers: ClinVar variation 1895605 (VCV001895605.6), dbSNP rs1278030319, ClinGen allele CA573762427.